The following is an entry in ClinVar:

NM_016366.3(CABP2):c.493G>T (p.Asp165Tyr)

Gene: CABP2 (calcium binding protein 2; minus strand). Cytogenetic location: 11q13.2.
Variant type: single nucleotide variant.
Coding change: c.493G>T on transcript NM_016366.3 (MANE Select); coding-DNA position 493, G replaced by T.
Protein change: p.Asp165Tyr; replaces aspartic acid 165 with tyrosine.
Molecular consequence: missense variant.
Genome position (GRCh38, 1-based): chr11:67,519,937, C>A on the plus strand (G>T on the coding strand, the complement: CABP2 is on the minus strand). VCF-style: chr11-67519937-C-A. GRCh37 (hg19) VCF-style: chr11-67287408-C-A.
Other names: c.511G>T, p.Asp171Tyr (NM_001318496.2); short protein forms D171Y, D165Y.
Identifiers: ClinVar variation 2006547 (VCV002006547.4), dbSNP rs1320588437, ClinGen allele CA381513604.

ClinVar aggregate classification (germline): Uncertain significance (1 of 4 stars; one submission).

Submission:

Labcorp Genetics (formerly Invitae), Labcorp
Classification: Uncertain significance. Last evaluated: 2024-06-17. Review status: criteria provided, single submitter. Criteria: Invitae Variant Classification Sherloc (09022015). Collection method: clinical testing. Allele origin: germline.
Comment: This sequence change replaces aspartic acid, which is acidic and polar, with tyrosine, which is neutral and polar, at codon 165 of the CABP2 protein (p.Asp165Tyr). This variant is not present in population databases (gnomAD no frequency). This variant has not been reported in the literature in individuals affected with CABP2-related conditions. ClinVar contains an entry for this variant (Variation ID: 2006547). An algorithm developed to predict the effect of missense changes on protein structure and function (PolyPhen-2) suggests that this variant is likely to be disruptive. In summary, the available evidence is currently insufficient to determine the role of this variant in disease. Therefore, it has been classified as a Variant of Uncertain Significance.